The following is an entry in ClinVar:

ClinVar aggregate classification (germline): Uncertain significance. Review status: criteria provided, multiple submitters, no conflicts (2 of 4 stars). 2 submissions from 2 submitters: Uncertain significance (2). Last evaluated 2025-05-04.

Conditions:
Inborn genetic diseases. Identifiers: MedGen C0950123, MeSH D030342.

Allele frequency attached by ClinVar (database versions not stated): gnomAD 0.00001; gnomAD exomes 0.00001; TOPMed 0.00001.
gnomAD v4.1: 6 of 1,613,124 alleles (0.00037%); highest among the groups gnomAD compares: Admixed American, 0.0067%; no homozygotes.

Submissions (2):

Ambry Genetics
Classification: Uncertain significance for Inborn genetic diseases. Last evaluated: 2025-05-04. Review status: criteria provided, single submitter. Criteria: Ambry Variant Classification Scheme 2023. Collection method: clinical testing. Allele origin: germline.

Labcorp Genetics (formerly Invitae), Labcorp
Classification: Uncertain significance. Last evaluated: 2025-02-24. Review status: criteria provided, single submitter. Criteria: Invitae Variant Classification Sherloc (09022015). Collection method: clinical testing. Allele origin: germline.
Comment: This sequence change replaces methionine, which is neutral and non-polar, with valine, which is neutral and non-polar, at codon 234 of the EPRS protein (p.Met234Val). This variant is present in population databases (no rsID available, gnomAD 0.006%). This variant has not been reported in the literature in individuals affected with EPRS-related conditions. ClinVar contains an entry for this variant (Variation ID: 1681003). An algorithm developed to predict the effect of missense changes on protein structure and function (PolyPhen-2) suggests that this variant is likely to be disruptive. In summary, the available evidence is currently insufficient to determine the role of this variant in disease. Therefore, it has been classified as a Variant of Uncertain Significance.

NM_004446.3(EPRS1):c.700A>G (p.Met234Val)

Gene: EPRS1 (glutamyl-prolyl-tRNA synthetase 1; minus strand). Cytogenetic location: 1q41.
Variant type: single nucleotide variant.
Coding change: c.700A>G on transcript NM_004446.3 (MANE Select); coding-DNA position 700, A replaced by G.
Protein change: p.Met234Val; replaces methionine 234 with valine.
Molecular consequence: missense variant.
Genome position (GRCh38, 1-based): chr1:220,025,182, T>C on the plus strand (A>G on the coding strand, the complement: EPRS1 is on the minus strand). VCF-style: chr1-220025182-T-C. GRCh37 (hg19) VCF-style: chr1-220198524-T-C.
Other names: c.700A>G (NM_004446.2); short protein forms M234V.
Identifiers: ClinVar variation 1681003 (VCV001681003.6), dbSNP rs1317814575, ClinGen allele CA344633213.